The following is an entry in ClinVar:

ClinVar aggregate classification (germline): Pathogenic/Likely pathogenic. Review status: criteria provided, multiple submitters, no conflicts (2 of 4 stars). 2 submissions from 2 submitters: Pathogenic (1); Likely pathogenic (1). Last evaluated 2024-07-31.

Conditions:
FANCI-related disorders.
Fanconi anemia (FA). Also called: Fanconi's anemia. Identifiers: Orphanet 84, MedGen C0015625, MeSH D005199, MONDO:0019391.

Allele frequency attached by ClinVar (database versions not stated): gnomAD exomes below 0.00001; TOPMed below 0.00001.
gnomAD v4.1: 2 of 1,614,172 alleles (0.00012%); highest among the groups gnomAD compares: Non-Finnish European, 0.000085%; no homozygotes.

Submissions (2):

Blueprint Genetics
Classification: Likely pathogenic for FANCI-related disorders. Last evaluated: 2024-07-31. Review status: criteria provided, single submitter. Criteria: ACMG Guidelines, 2015. Collection method: clinical testing. Allele origin: germline. Affected: yes. Observed: 2 variant alleles.

Labcorp Genetics (formerly Invitae), Labcorp
Classification: Pathogenic for Fanconi anemia. Last evaluated: 2023-11-10. Review status: criteria provided, single submitter. Criteria: Invitae Variant Classification Sherloc (09022015). Collection method: clinical testing. Allele origin: germline.
Comment: This sequence change creates a premature translational stop signal (p.Arg712*) in the FANCI gene. It is expected to result in an absent or disrupted protein product. Loss-of-function variants in FANCI are known to be pathogenic (PMID: 17452773, 17460694). This variant is not present in population databases (gnomAD no frequency). This variant has not been reported in the literature in individuals affected with FANCI-related conditions. For these reasons, this variant has been classified as Pathogenic.

Literature cited by the submitters: PubMed 17452773 (cited by Labcorp Genetics (formerly Invitae), Labcorp); PubMed 17460694 (cited by Labcorp Genetics (formerly Invitae), Labcorp).

NM_001113378.2(FANCI):c.2134A>T (p.Arg712Ter)

Gene: FANCI (FA complementation group I; plus strand). Cytogenetic location: 15q26.1.
Variant type: single nucleotide variant.
Coding change: c.2134A>T on transcript NM_001113378.2 (MANE Select); coding-DNA position 2134, A replaced by T.
Protein change: p.Arg712Ter; replaces arginine 712 with a stop codon.
Molecular consequence: nonsense.
Genome position (GRCh38, 1-based): chr15:89,292,829, A>T. VCF-style: chr15-89292829-A-T. GRCh37 (hg19) VCF-style: chr15-89836060-A-T.
Other names: c.1855A>T, p.Arg619Ter (NM_001376910.1); c.2134A>T, p.Arg712Ter (NM_001376911.1, NM_018193.3); short protein forms R619*, R712*.
Identifiers: ClinVar variation 2724152 (VCV002724152.4), dbSNP rs1017506584, ClinGen allele CA274574745.